The following is an entry in ClinVar:

NM_144997.7(FLCN):c.1698G>T (p.Met566Ile)

Gene: FLCN (folliculin; minus strand). Cytogenetic location: 17p11.2.
Variant type: single nucleotide variant.
Coding change: c.1698G>T on transcript NM_144997.7 (MANE Select); coding-DNA position 1698, G replaced by T.
Protein change: p.Met566Ile; replaces methionine 566 with isoleucine.
Molecular consequence: missense variant.
Genome position (GRCh38, 1-based): chr17:17,213,697, C>A on the plus strand (G>T on the coding strand, the complement: FLCN is on the minus strand). VCF-style: chr17-17213697-C-A. GRCh37 (hg19) VCF-style: chr17-17117011-C-A.
Other names: c.1698G>T, p.Met566Ile (NM_001353230.2, NM_001353231.2); c.1752G>T, p.Met584Ile (NM_001353229.2); short protein forms M584I, M566I.
Identifiers: ClinVar variation 4742352 (VCV004742352.1).
Genomic context (GRCh38, chr17:17,213,697, plus strand): 5'-GCAGGTGTGTGTGACGGGTCAGTTCCGAGACTCCGAGGCTGTGGGGCTGCGGACCGTGGA[C>A]ATGAGGTGTGACTTGTAGGTCTTGCTCAGGCCAGTCATCCAGAACTTCAGCAGCTTGACA-3'
Protein context (NP_659434.2, residues 556-576): GLSKTYKSHL[Met566Ile]STVRSPTASE

ClinVar aggregate classification (germline): Uncertain significance (1 of 4 stars; one submission).

Conditions:
Birt-Hogg-Dube syndrome. Also called: Birt Hogg Dubé syndrome. Identifiers: Orphanet 122, MedGen C0346010, MONDO:0800444.

Submission:

Labcorp Genetics (formerly Invitae), Labcorp
Classification: Uncertain significance for Birt-Hogg-Dube syndrome. Last evaluated: 2025-02-09. Review status: criteria provided, single submitter. Criteria: Invitae Variant Classification Sherloc (09022015). Collection method: clinical testing. Allele origin: germline.
Comment: This sequence change replaces methionine, which is neutral and non-polar, with isoleucine, which is neutral and non-polar, at codon 566 of the FLCN protein (p.Met566Ile). This variant is not present in population databases (gnomAD no frequency). This variant has not been reported in the literature in individuals affected with FLCN-related conditions. Invitae Evidence Modeling of protein sequence and biophysical properties (such as structural, functional, and spatial information, amino acid conservation, physicochemical variation, residue mobility, and thermodynamic stability) indicates that this missense variant is not expected to disrupt FLCN protein function with a negative predictive value of 80%. In summary, the available evidence is currently insufficient to determine the role of this variant in disease. Therefore, it has been classified as a Variant of Uncertain Significance.